The following is an entry in ClinVar:

NM_198060.4(NRAP):c.2835T>A (p.Asn945Lys)

Gene: NRAP (nebulin related anchoring protein; minus strand). Cytogenetic location: 10q25.3.
Variant type: single nucleotide variant.
Coding change: c.2835T>A on transcript NM_198060.4 (MANE Select); coding-DNA position 2835, T replaced by A.
Protein change: p.Asn945Lys; replaces asparagine 945 with lysine.
Molecular consequence: missense variant.
Genome position (GRCh38, 1-based): chr10:113,620,643, A>T on the plus strand (T>A on the coding strand, the complement: NRAP is on the minus strand). VCF-style: chr10-113620643-A-T. GRCh37 (hg19) VCF-style: chr10-115380402-A-T.
Other names: c.2835T>A, p.Asn945Lys (NM_001261463.2); c.2727T>A, p.Asn909Lys (NM_001322945.2); c.2730T>A, p.Asn910Lys (NM_006175.5); short protein forms N909K, N910K, N945K.
Identifiers: ClinVar variation 4885581 (VCV004885581.2).
Genomic context (GRCh38, chr10:113,620,643, plus strand): 5'-CAGGCTGTCAGGAAATCTCACCTCGCTAATGAGTTCTCCTGCCTTCTTCGCCTGCTCCAC[A>T]TTTAATGACCCGGTGGCGACCCAGCCCATGCCTTTCATCCACTTCACATCTGCCCTGTAT-3'
Protein context (NP_932326.2, residues 935-955): GMGWVATGSL[Asn945Lys]VEQAKKAGEL

ClinVar aggregate classification (germline): Uncertain significance (1 of 4 stars; one submission).

gnomAD v4.1: 8 of 1,613,498 alleles (0.0005%); highest among the groups gnomAD compares: Admixed American, 0.005%; no homozygotes.

Submission:

Dasa
Classification: Uncertain significance. Last evaluated: 2026-03-06. Review status: criteria provided, single submitter. Criteria: DASA Assertion Criteria. Collection method: clinical testing. Allele origin: germline.
Comment: NM_198060.4(NRAP):c.2835T>A (p.Asn945Lys) is a missense variant that results in the substitution of asparagine with lysine. This variant is rare in population databases. The currently available literature and clinical evidence are not sufficient to establish a definitive association between this variant and the reported condition. Therefore, this variant is classified as a variant of uncertain significance.